The following is an entry in ClinVar:

ClinVar aggregate classification (germline): Likely pathogenic (1 of 4 stars; one submission).

Submission:

Labcorp Genetics (formerly Invitae), Labcorp
Classification: Likely pathogenic. Last evaluated: 2023-05-23. Review status: criteria provided, single submitter. Criteria: Invitae Variant Classification Sherloc (09022015). Collection method: clinical testing. Allele origin: germline.
Comment: This variant has not been reported in the literature in individuals affected with NBAS-related conditions. In summary, the currently available evidence indicates that the variant is pathogenic, but additional data are needed to prove that conclusively. Therefore, this variant has been classified as Likely Pathogenic. Algorithms developed to predict the effect of sequence changes on RNA splicing suggest that this variant may disrupt the consensus splice site. ClinVar contains an entry for this variant (Variation ID: 1467144). This variant is not present in population databases (gnomAD no frequency). This sequence change affects an acceptor splice site in intron 40 of the NBAS gene. It is expected to disrupt RNA splicing. Variants that disrupt the donor or acceptor splice site typically lead to a loss of protein function (PMID: 16199547), and loss-of-function variants in NBAS are known to be pathogenic (PMID: 26073778, 26541327, 27789416, 28031453).

Literature cited by the submitters: PubMed 16199547; PubMed 26073778; PubMed 26541327; PubMed 27789416; PubMed 28031453.

NM_015909.4(NBAS):c.4798-1G>T

Gene: NBAS (NBAS subunit of NRZ tethering complex; minus strand). Cytogenetic location: 2p24.3.
Variant type: single nucleotide variant.
Coding change: c.4798-1G>T on transcript NM_015909.4 (MANE Select); the canonical splice acceptor site of the intron before coding-DNA position 4798, G replaced by T.
Molecular consequence: splice acceptor variant.
Genome position (GRCh38, 1-based): chr2:15,292,767, C>A on the plus strand (G>T on the coding strand, the complement: NBAS is on the minus strand). VCF-style: chr2-15292767-C-A. GRCh37 (hg19) VCF-style: chr2-15432891-C-A.
Identifiers: ClinVar variation 1467144 (VCV001467144.6), dbSNP rs890826299, ClinGen allele CA42613216.